The following is an entry in ClinVar:

ClinVar aggregate classification (germline): Uncertain significance (1 of 4 stars; one submission).

Conditions:
PGM1-congenital disorder of glycosylation. Also called: PHOSPHOGLUCOMUTASE 1 DEFICIENCY; PGM1 DEFICIENCY; GLYCOGEN STORAGE DISEASE XIV; GSD XIV; Congenital disorder of glycosylation type 1t; CDG It. Identifiers: Orphanet 319646, MedGen C2752015, MONDO:0013968, OMIM 614921.

Submission:

Labcorp Genetics (formerly Invitae), Labcorp
Classification: Uncertain significance for PGM1-congenital disorder of glycosylation. Last evaluated: 2022-04-23. Review status: criteria provided, single submitter. Criteria: Invitae Variant Classification Sherloc (09022015). Collection method: clinical testing. Allele origin: germline.
Comment: In summary, the available evidence is currently insufficient to determine the role of this variant in disease. Therefore, it has been classified as a Variant of Uncertain Significance. Algorithms developed to predict the effect of missense changes on protein structure and function output the following: SIFT: "Tolerated"; PolyPhen-2: "Benign"; Align-GVGD: "Class C0". The asparagine amino acid residue is found in multiple mammalian species, which suggests that this missense change does not adversely affect protein function. This variant has not been reported in the literature in individuals affected with PGM1-related conditions. This variant is not present in population databases (gnomAD no frequency). This sequence change replaces serine, which is neutral and polar, with asparagine, which is neutral and polar, at codon 369 of the PGM1 protein (p.Ser369Asn).

NM_002633.3(PGM1):c.1106G>A (p.Ser369Asn)

Gene: PGM1 (phosphoglucomutase 1; plus strand). Cytogenetic location: 1p31.3.
Variant type: single nucleotide variant.
Coding change: c.1106G>A on transcript NM_002633.3 (MANE Select); coding-DNA position 1106, G replaced by A.
Protein change: p.Ser369Asn; replaces serine 369 with asparagine.
Molecular consequence: missense variant.
Genome position (GRCh38, 1-based): chr1:63,638,762, G>A. VCF-style: chr1-63638762-G-A. GRCh37 (hg19) VCF-style: chr1-64104433-G-A.
Other names: c.1160G>A, p.Ser387Asn (NM_001172818.1); c.515G>A, p.Ser172Asn (NM_001172819.2); short protein forms S369N, S387N, S172N.
Identifiers: ClinVar variation 1950958 (VCV001950958.5), dbSNP rs1570503800, ClinGen allele CA340637213.